The following is an entry in ClinVar:

NM_001001548.3(CD36):c.443T>A (p.Ile148Asn)

Gene: CD36 (CD36 molecule (CD36 blood group); plus strand). Cytogenetic location: 7q21.11.
Variant type: single nucleotide variant.
Coding change: c.443T>A on transcript NM_001001548.3 (MANE Select); coding-DNA position 443, T replaced by A.
Protein change: p.Ile148Asn; replaces isoleucine 148 with asparagine.
Molecular consequence: missense variant. On other transcripts: 5 prime UTR variant (2), non-coding transcript variant (1), intron variant (1).
Genome position (GRCh38, 1-based): chr7:80,663,003, T>A. VCF-style: chr7-80663003-T-A. GRCh37 (hg19) VCF-style: chr7-80292319-T-A.
Other names: c.443T>A, p.Ile148Asn (NM_000072.3, NM_001001547.3, NM_001127443.2 and 6 more transcripts); c.215T>A, p.Ile72Asn (NM_001289911.2); c.341T>A, p.Ile114Asn (NM_001371079.1); c.-23T>A (NM_001371080.1, NM_001371081.1); c.430-1403T>A (NM_001289909.1); c.443T>A (NM_001001547.2); short protein forms I114N, I148N, I72N.
Identifiers: ClinVar variation 1708388 (VCV001708388.5), dbSNP rs573439520, ClinGen allele CA4315201.
Genomic context (GRCh38, chr7:80,663,003, plus strand): 5'-AATCTAATATTGTATTCTTGTCTTAAACAGTGACTTTGTTTTTGTAGGCTGCATCCCATA[T>A]CTATCAAAATCAATTTGTTCAAATGATCCTCAATTCACTTATTAACAAGTCAAAATCTTC-3'
Protein context (NP_001001548.1, residues 138-158): LNLAVAAASH[Ile148Asn]YQNQFVQMIL

ClinVar aggregate classification (germline): Uncertain significance. Review status: criteria provided, single submitter (1 of 4 stars). 2 submissions from 2 submitters: Uncertain significance (1). 1 of the submissions does not count toward it. Last evaluated 2022-01-20.

Conditions:
CD36-related disorder. Also called: CD36-related disorders; CD36-related condition.

Allele frequency attached by ClinVar (database versions not stated): TOPMed 0.00001; gnomAD 0.00003; ExAC 0.00026; 1000 Genomes Project 30x 0.00047; 1000 Genomes Project 0.00060.
gnomAD v4.1: 113 of 1,612,484 alleles (0.007%); highest among the groups gnomAD compares: South Asian, 0.11%; 2 homozygotes.

Submissions (2):

Centre of Medical Genetics, University Hospital Muenster
Classification: Uncertain significance. Last evaluated: 2022-01-20. Review status: criteria provided, single submitter. Criteria: ACMG Guidelines, 2015. Collection method: clinical testing. Allele origin: unknown. Affected: yes. Observed: 1 variant allele, 1 heterozygote.
Comment: ACMG categories: PM2,BP1

PreventionGenetics, part of Exact Sciences
Classification: Likely benign for CD36-related condition. Last evaluated: 2022-02-07. Review status: no assertion criteria provided. Collection method: clinical testing. Allele origin: germline. Not counted in ClinVar's aggregate classification.
Comment: This variant is classified as likely benign based on ACMG/AMP sequence variant interpretation guidelines (Richards et al. 2015 PMID: 25741868, with internal and published modifications).